The following is an entry in ClinVar:

ClinVar aggregate classification (germline): Pathogenic (1 of 4 stars; one submission).

Conditions:
Pitt-Hopkins-like syndrome 2 (PTHSL2). Identifiers: Orphanet 221150, Orphanet 600663, MedGen C3280479, MONDO:0013690, OMIM 614325.

Submission:

Labcorp Genetics (formerly Invitae), Labcorp
Classification: Pathogenic for Pitt-Hopkins-like syndrome 2. Last evaluated: 2023-09-29. Review status: criteria provided, single submitter. Criteria: Invitae Variant Classification Sherloc (09022015). Collection method: clinical testing. Allele origin: germline.
Comment: For these reasons, this variant has been classified as Pathogenic. Algorithms developed to predict the effect of sequence changes on RNA splicing suggest that this variant may disrupt the consensus splice site. This variant has not been reported in the literature in individuals affected with NRXN1-related conditions. This variant is not present in population databases (gnomAD no frequency). This sequence change creates a premature translational stop signal (p.Glu848*) in the NRXN1 gene. It is expected to result in an absent or disrupted protein product. Loss-of-function variants in NRXN1 are known to be pathogenic (PMID: 19896112, 21964664, 23495017, 23533028, 25149956, 30031152).

Literature cited by the submitters: PubMed 19896112; PubMed 21964664; PubMed 23495017; PubMed 23533028; PubMed 25149956; PubMed 30031152.

NM_001330078.2(NRXN1):c.2422G>T (p.Glu808Ter)

Gene: NRXN1 (neurexin 1; minus strand). Cytogenetic location: 2p16.3.
Variant type: single nucleotide variant.
Coding change: c.2422G>T on transcript NM_001330078.2 (MANE Select); coding-DNA position 2422, G replaced by T.
Protein change: p.Glu808Ter; replaces glutamic acid 808 with a stop codon.
Molecular consequence: nonsense.
Genome position (GRCh38, 1-based): chr2:50,506,570, C>A on the plus strand (G>T on the coding strand, the complement: NRXN1 is on the minus strand). VCF-style: chr2-50506570-C-A. GRCh37 (hg19) VCF-style: chr2-50733708-C-A.
Other names: c.2398G>T, p.Glu800Ter (NM_001330077.2, NM_001330082.2); c.2356G>T, p.Glu786Ter (NM_001330083.2, NM_001330084.2); c.2395G>T, p.Glu799Ter (NM_001330085.2); c.2422G>T, p.Glu808Ter (NM_001330086.2, NM_004801.6); c.2311G>T, p.Glu771Ter (NM_001330087.2, NM_001330096.2); c.2341G>T, p.Glu781Ter (NM_001330088.2); c.2419G>T, p.Glu807Ter (NM_001330093.2); c.2410G>T, p.Glu804Ter (NM_001330094.2); and 2 more; short protein forms E791*, E799*, E804*, E808*, E848*, E786*, E771*, E781*.
Identifiers: ClinVar variation 2763814 (VCV002763814.3), dbSNP rs202145311, ClinGen allele CA346777978.